The following is an entry in ClinVar:

ClinVar aggregate classification (germline): Benign (0 of 4 stars; one submission).

Conditions:
ALPK2-related disorder. Also called: ALPK2-related condition.

Allele frequency attached by ClinVar (database versions not stated): gnomAD exomes 0.00537; ExAC 0.01095; gnomAD 0.01398; TOPMed 0.01480; ESP Exome Variant Server 0.01493; 1000 Genomes Project 30x 0.02171; 1000 Genomes Project 0.02236.

Submission:

PreventionGenetics, part of Exact Sciences
Classification: Benign for ALPK2-related condition. Last evaluated: 2019-02-21. Review status: no assertion criteria provided. Collection method: clinical testing. Allele origin: germline.
Comment: This variant is classified as benign based on ACMG/AMP sequence variant interpretation guidelines (Richards et al. 2015 PMID: 25741868, with internal and published modifications).

NM_052947.4(ALPK2):c.604G>A (p.Ala202Thr)

Gene: ALPK2 (alpha kinase 2; minus strand). Cytogenetic location: 18q21.31.
Variant type: single nucleotide variant.
Coding change: c.604G>A on transcript NM_052947.4 (MANE Select); coding-DNA position 604, G replaced by A.
Protein change: p.Ala202Thr; replaces alanine 202 with threonine.
Molecular consequence: missense variant.
Genome position (GRCh38, 1-based): chr18:58,580,172, C>T on the plus strand (G>A on the coding strand, the complement: ALPK2 is on the minus strand). VCF-style: chr18-58580172-C-T. GRCh37 (hg19) VCF-style: chr18-56247404-C-T.
Other names: short protein forms A202T.
Identifiers: ClinVar variation 3042300 (VCV003042300.2), dbSNP rs115979836, ClinGen allele CA8977417.